The following is an entry in ClinVar:

NM_014727.3(KMT2B):c.278G>C (p.Arg93Pro)

Gene: KMT2B (lysine methyltransferase 2B; plus strand). Cytogenetic location: 19q13.12.
Variant type: single nucleotide variant.
Coding change: c.278G>C on transcript NM_014727.3 (MANE Select); coding-DNA position 278, G replaced by C.
Protein change: p.Arg93Pro; replaces arginine 93 with proline.
Molecular consequence: missense variant.
Genome position (GRCh38, 1-based): chr19:35,718,296, G>C. VCF-style: chr19-35718296-G-C. GRCh37 (hg19) VCF-style: chr19-36209198-G-C.
Other names: short protein forms R93P.
Identifiers: ClinVar variation 1031293 (VCV001031293.1), dbSNP rs1969034578, ClinGen allele CA405375479.

ClinVar aggregate classification (germline): Uncertain significance (1 of 4 stars; one submission).

Conditions:
Dystonia 28, childhood-onset (DYT28). Also called: KMT2B-Related Dystonia (DYT-KMT2B). Identifiers: Orphanet 589618, MedGen C4310633, MONDO:0015004, OMIM 617284.

Submission:

Baylor Genetics
Classification: Uncertain significance for Dystonia 28, childhood-onset. Last evaluated: 2019-11-20. Review status: criteria provided, single submitter. Criteria: ACMG Guidelines, 2015. Collection method: clinical testing. Allele origin: unknown. Affected: yes.
Comment: This variant was determined to be of uncertain significance according to ACMG Guidelines, 2015 [PMID:25741868].